The following is an entry in ClinVar:

ClinVar aggregate classification (germline): Uncertain significance (1 of 4 stars; one submission).

Conditions:
Hereditary breast ovarian cancer syndrome. Also called: Hereditary breast and ovarian cancer syndrome; Hereditary breast and/or ovarian cancer syndrome; Hereditary breast and ovarian cancer syndrome (HBOC); Breast and ovarian cancer; BRCA1- and BRCA2-Associated Hereditary Breast and Ovarian Cancer; Hereditary breast and ovarian cancer. Identifiers: Orphanet 145, MedGen C0677776, MeSH D061325, MONDO:0003582. Disease mechanism: loss of function.

Submission:

Labcorp Genetics (formerly Invitae), Labcorp
Classification: Uncertain significance for Hereditary breast ovarian cancer syndrome. Last evaluated: 2024-05-06. Review status: criteria provided, single submitter. Criteria: Invitae Variant Classification Sherloc (09022015). Collection method: clinical testing. Allele origin: germline.
Comment: This sequence change replaces alanine, which is neutral and non-polar, with glycine, which is neutral and non-polar, at codon 3246 of the BRCA2 protein (p.Ala3246Gly). This variant is not present in population databases (gnomAD no frequency). This variant has not been reported in the literature in individuals affected with BRCA2-related conditions. ClinVar contains an entry for this variant (Variation ID: 581584). Advanced modeling of protein sequence and biophysical properties (such as structural, functional, and spatial information, amino acid conservation, physicochemical variation, residue mobility, and thermodynamic stability) performed at Invitae indicates that this missense variant is not expected to disrupt BRCA2 protein function with a negative predictive value of 95%. In summary, the available evidence is currently insufficient to determine the role of this variant in disease. Therefore, it has been classified as a Variant of Uncertain Significance.

NM_000059.4(BRCA2):c.9737C>G (p.Ala3246Gly)

Gene: BRCA2 (BRCA2 DNA repair associated; plus strand). Cytogenetic location: 13q13.1.
Variant type: single nucleotide variant.
Coding change: c.9737C>G on transcript NM_000059.4 (MANE Select); coding-DNA position 9737, C replaced by G.
Protein change: p.Ala3246Gly; replaces alanine 3246 with glycine.
Molecular consequence: missense variant.
Genome position (GRCh38, 1-based): chr13:32,398,250, C>G. VCF-style: chr13-32398250-C-G. GRCh37 (hg19) VCF-style: chr13-32972387-C-G.
Other names: short protein forms A3246G.
Identifiers: ClinVar variation 581584 (VCV000581584.9), dbSNP rs1555289937, ClinGen allele CA387765557.